The following is an entry in ClinVar:

ClinVar aggregate classification (germline): Likely pathogenic (1 of 4 stars; one submission).

Conditions:
Junctional epidermolysis bullosa. Identifiers: Orphanet 305, MedGen C0079301, MONDO:0017612.

Submission:

Myriad Genetics, Inc.
Classification: Likely pathogenic for Junctional epidermolysis bullosa. Last evaluated: 2021-12-21. Review status: criteria provided, single submitter. Criteria: Myriad Autosomal Dominant, Autosomal Recessive and X-Linked Classification Criteria (2023). Collection method: clinical testing. Allele origin: unknown.
Comment: NM_000228.2(LAMB3):c.2327C>A(S776*) is expected to be pathogenic in the context of junctional epidermolysis bullosa, LAMB3-related. This variant is predicted to lead to an abnormal or absent protein product due to the creation of a premature termination codon in LAMB3, a gene where loss-of-function variants are known to be pathogenic. Please note: this variant was assessed in the context of healthy population screening.

NM_000228.3(LAMB3):c.2327C>A (p.Ser776Ter)

Gene: LAMB3 (laminin subunit beta 3; minus strand). Cytogenetic location: 1q32.2.
Variant type: single nucleotide variant.
Coding change: c.2327C>A on transcript NM_000228.3 (MANE Select); coding-DNA position 2327, C replaced by A.
Protein change: p.Ser776Ter; replaces serine 776 with a stop codon.
Molecular consequence: nonsense.
Genome position (GRCh38, 1-based): chr1:209,623,536, G>T on the plus strand (C>A on the coding strand, the complement: LAMB3 is on the minus strand). VCF-style: chr1-209623536-G-T. GRCh37 (hg19) VCF-style: chr1-209796881-G-T.
Other names: c.2327C>A, p.Ser776Ter (NM_001017402.2, NM_001127641.1); short protein forms S776*.
Identifiers: ClinVar variation 1726556 (VCV001726556.3), dbSNP rs748475714, ClinGen allele CA344588264.